The following is an entry in ClinVar:

ClinVar aggregate classification (germline): Likely benign (1 of 4 stars; one submission).

Conditions:
Malignant hyperthermia, susceptibility to, 5 (MHS5). Also called: CACNA1S-Related Malignant Hyperthermia Susceptibility. Identifiers: Orphanet 423, MedGen C1866077, MONDO:0011163, OMIM 601887.

Allele frequency attached by ClinVar (database versions not stated): gnomAD exomes below 0.00001; ExAC 0.00002.
gnomAD v4.1: 6 of 1,613,942 alleles (0.00037%); highest among the groups gnomAD compares: South Asian, 0.0066%; no homozygotes.

Submission:

All of Us Research Program, National Institutes of Health
Classification: Likely benign for Malignant hyperthermia, susceptibility to, 5. Last evaluated: 2023-04-28. Review status: criteria provided, single submitter. Criteria: ACMG Guidelines, 2015. Collection method: clinical testing. Allele origin: germline. Inheritance: Autosomal dominant inheritance. Observed: 1 variant allele, 1 heterozygote.
Comment: This study involves interpretation of variants in research participants for the purpose of population health screening. Participant phenotype was not available at the time of variant classification. Additional details can be found in publication PMID: 35346344, PMCID: PMC8962531

NM_000069.3(CACNA1S):c.3642C>T (p.Cys1214=)

Gene: CACNA1S (calcium voltage-gated channel subunit alpha1 S; minus strand). Cytogenetic location: 1q32.1.
Variant type: single nucleotide variant.
Coding change: c.3642C>T on transcript NM_000069.3 (MANE Select); coding-DNA position 3642, C replaced by T.
Protein change: p.Cys1214=; no amino-acid change (cysteine 1214 retained).
Molecular consequence: synonymous variant.
Genome position (GRCh38, 1-based): chr1:201,054,529, G>A on the plus strand (C>T on the coding strand, the complement: CACNA1S is on the minus strand). VCF-style: chr1-201054529-G-A. GRCh37 (hg19) VCF-style: chr1-201023657-G-A.
Identifiers: ClinVar variation 3070565 (VCV003070565.1), dbSNP rs765510865, ClinGen allele CA082683.